The following is an entry in ClinVar:

ClinVar aggregate classification (germline): Pathogenic (1 of 4 stars; one submission).

Submission:

Labcorp Genetics (formerly Invitae), Labcorp
Classification: Pathogenic. Last evaluated: 2023-08-13. Review status: criteria provided, single submitter. Criteria: Invitae Variant Classification Sherloc (09022015). Collection method: clinical testing. Allele origin: unknown.
Comment: This variant results in the deletion of exons 51-90 and part of exon 91 (c.4818+28_7056delinsTCCTCCCGTCTTCT) of the COL7A1 gene. It is expected to disrupt RNA splicing. Variants that disrupt the donor or acceptor splice site typically lead to a loss of protein function (PMID: 16199547), and loss-of-function variants in COL7A1 are known to be pathogenic (PMID: 16971478). This variant has not been reported in the literature in individuals affected with COL7A1-related conditions. This variant disrupts a region of the COL7A1 protein in which other variant(s) (p.Gly2272Ala) have been determined to be pathogenic (PMID: 21113014, 21448560; Invitae). This suggests that this is a clinically significant region of the protein, and that variants that disrupt it are likely to be disease-causing. For these reasons, this variant has been classified as Pathogenic.

Literature cited by the submitters: PubMed 16199547; PubMed 16971478; PubMed 21113014; PubMed 21448560.

NC_000003.11:g.(?_48609446)_(48618853_?)del

Gene: COL7A1 (collagen type VII alpha 1 chain; minus strand). Cytogenetic location: 3p21.31.
Variant type: Deletion.
Identifiers: ClinVar variation 3246955 (VCV003246955.1).